The following is an entry in ClinVar:

NM_000245.4(MET):c.3397G>A (p.Asp1133Asn)

Gene: MET (MET proto-oncogene, receptor tyrosine kinase; plus strand). Cytogenetic location: 7q31.2.
Variant type: single nucleotide variant.
Coding change: c.3397G>A on transcript NM_000245.4 (MANE Select); coding-DNA position 3397, G replaced by A.
Protein change: p.Asp1133Asn; replaces aspartic acid 1133 with asparagine.
Molecular consequence: missense variant.
Genome position (GRCh38, 1-based): chr7:116,778,832, G>A. VCF-style: chr7-116778832-G-A. GRCh37 (hg19) VCF-style: chr7-116418886-G-A.
Other names: c.3451G>A (LRG_662t1); c.3451G>A, p.Asp1151Asn (NM_001127500.3); c.2107G>A, p.Asp703Asn (NM_001324402.2); short protein forms D1151N, D1133N, D703N.
Identifiers: ClinVar variation 411876 (VCV000411876.15), dbSNP rs745437003, ClinGen allele CA16612008.

ClinVar aggregate classification (germline): Uncertain significance. Review status: criteria provided, multiple submitters, no conflicts (2 of 4 stars). 2 submissions from 2 submitters: Uncertain significance (2). Last evaluated 2025-07-20.

Conditions:
Hereditary cancer-predisposing syndrome. Also called: Tumor predisposition; Hereditary Cancer Syndrome; Hereditary neoplastic syndrome; Neoplastic Syndromes, Hereditary. Identifiers: Orphanet 140162, MedGen C0027672, MeSH D009386, MONDO:0015356.
Renal cell carcinoma. Identifiers: Orphanet 217071, MedGen C0007134, MeSH D002292, MONDO:0005086, HP:0005584.

gnomAD v4.1: 1 of 1,614,068 alleles (0.000062%); highest among the groups gnomAD compares: Non-Finnish European, 0.000085%; no homozygotes.

Submissions (2):

Ambry Genetics
Classification: Uncertain significance for Hereditary cancer-predisposing syndrome. Last evaluated: 2025-07-20. Review status: criteria provided, single submitter. Criteria: Ambry Variant Classification Scheme 2023. Collection method: clinical testing. Allele origin: germline.
Comment: The p.D1151N variant (also known as c.3451G>A), located in coding exon 16 of the MET gene, results from a G to A substitution at nucleotide position 3451. The aspartic acid at codon 1151 is replaced by asparagine, an amino acid with highly similar properties. This amino acid position is highly conserved in available vertebrate species. In addition, this alteration is predicted to be tolerated by in silico analysis. Since supporting evidence is limited at this time, the clinical significance of this alteration remains unclear.

Labcorp Genetics (formerly Invitae), Labcorp
Classification: Uncertain significance for Renal cell carcinoma. Last evaluated: 2016-12-05. Review status: criteria provided, single submitter. Criteria: Invitae Variant Classification Sherloc (09022015). Collection method: clinical testing. Allele origin: germline.
Comment: In summary, this variant is a novel missense change with uncertain impact on protein function. It has been classified as a Variant of Uncertain Significance. Algorithms developed to predict the effect of missense changes on protein structure and function do not agree on the potential impact of this missense change (SIFT: "Tolerated"; PolyPhen-2: "Probably Damaging"; Align-GVGD: "Class C0"). This variant is not present in population databases (ExAC no frequency) and has not been reported in the literature in individuals with a MET-related disease. This sequence change replaces aspartic acid with asparagine at codon 1151 of the MET protein (p.Asp1151Asn). The aspartic acid residue is highly conserved and there is a small physicochemical difference between aspartic acid and asparagine.